The following is an entry in ClinVar:

ClinVar aggregate classification (germline): Uncertain significance (1 of 4 stars; one submission).

Conditions:
Severe combined immunodeficiency due to DNA-PKcs deficiency. Also called: IMMUNODEFICIENCY 26 WITH NEUROLOGIC ABNORMALITIES; Immunodeficiency 26 with or without neurologic abnormalities. Identifiers: Orphanet 317425, MedGen C4014833, MONDO:0014423, OMIM 615966.

Allele frequency attached by ClinVar (database versions not stated): gnomAD exomes 0.00006 and 0.00007; gnomAD 0.00007; ExAC 0.00008; ESP Exome Variant Server 0.00008; TOPMed 0.00008; 1000 Genomes Project 30x 0.00016; 1000 Genomes Project 0.00020.
gnomAD v4.1: 120 of 1,613,220 alleles (0.0074%); highest among the groups gnomAD compares: Non-Finnish European, 0.0092%; no homozygotes.

Submission:

Labcorp Genetics (formerly Invitae), Labcorp
Classification: Uncertain significance for Severe combined immunodeficiency due to DNA-PKcs deficiency. Last evaluated: 2023-11-27. Review status: criteria provided, single submitter. Criteria: Invitae Variant Classification Sherloc (09022015). Collection method: clinical testing. Allele origin: germline.
Comment: This sequence change replaces isoleucine, which is neutral and non-polar, with threonine, which is neutral and polar, at codon 2550 of the PRKDC protein (p.Ile2550Thr). This variant is present in population databases (rs373258150, gnomAD 0.01%). This variant has not been reported in the literature in individuals affected with PRKDC-related conditions. ClinVar contains an entry for this variant (Variation ID: 835259). Advanced modeling of protein sequence and biophysical properties (such as structural, functional, and spatial information, amino acid conservation, physicochemical variation, residue mobility, and thermodynamic stability) performed at Invitae indicates that this missense variant is not expected to disrupt PRKDC protein function with a negative predictive value of 80%. In summary, the available evidence is currently insufficient to determine the role of this variant in disease. Therefore, it has been classified as a Variant of Uncertain Significance.

NM_006904.7(PRKDC):c.7649T>C (p.Ile2550Thr)

Gene: PRKDC (protein kinase, DNA-activated, catalytic subunit; minus strand). Cytogenetic location: 8q11.21.
Variant type: single nucleotide variant.
Coding change: c.7649T>C on transcript NM_006904.7 (MANE Select); coding-DNA position 7649, T replaced by C.
Protein change: p.Ile2550Thr; replaces isoleucine 2550 with threonine.
Molecular consequence: missense variant.
Genome position (GRCh38, 1-based): chr8:47,837,324, A>G on the plus strand (T>C on the coding strand, the complement: PRKDC is on the minus strand). VCF-style: chr8-47837324-A-G. GRCh37 (hg19) VCF-style: chr8-48749885-A-G.
Other names: c.7649T>C, p.Ile2550Thr (NM_001081640.2); short protein forms I2550T.
Identifiers: ClinVar variation 835259 (VCV000835259.6), dbSNP rs373258150, ClinGen allele CA4740057.